The following is an entry in ClinVar:

ClinVar aggregate classification (germline): Uncertain significance (0 of 4 stars; one submission).

Allele frequency attached by ClinVar (database versions not stated): gnomAD 0.00001; TOPMed 0.00002.
gnomAD v4.1: 1 of 1,614,044 alleles (0.000062%); highest among the groups gnomAD compares: African/African-American, 0.0013%; no homozygotes.

Submission:

Genetic Services Laboratory, University of Chicago
Classification: Uncertain significance. Last evaluated: 2022-08-31. Review status: no assertion criteria provided. Collection method: clinical testing. Allele origin: germline. Affected: no.
Comment: DNA sequence analysis of the ABCC8 gene demonstrated a sequence change, c.3013T>A, in exon 25 that results in an amino acid change, p.Ser1005Thr. This sequence change does not appear to have been previously described in individuals with ABCC8-related disorders and has also not been described in population databases such as ExAC and gnomAD (dbSNP rs1054112153). The p.Ser1005Thr change affects a moderately conserved amino acid residue located in a domain of the ABCC8 protein that is known to be functional. The p.Ser1005Thr substitution appears to be benign using several in-silico pathogenicity prediction tools (SIFT, PolyPhen2, Align GVGD, REVEL). Due to insufficient evidences and the lack of functional studies, the clinical significance of the p.Ser1005Thr change remains unknown at this time.

NM_000352.6(ABCC8):c.3013T>A (p.Ser1005Thr)

Gene: ABCC8 (ATP binding cassette subfamily C member 8; minus strand). Cytogenetic location: 11p15.1.
Variant type: single nucleotide variant.
Coding change: c.3013T>A on transcript NM_000352.6 (MANE Select); coding-DNA position 3013, T replaced by A.
Protein change: p.Ser1005Thr; replaces serine 1005 with threonine.
Molecular consequence: missense variant. On other transcripts: non-coding transcript variant (1).
Genome position (GRCh38, 1-based): chr11:17,407,037, A>T on the plus strand (T>A on the coding strand, the complement: ABCC8 is on the minus strand). VCF-style: chr11-17407037-A-T. GRCh37 (hg19) VCF-style: chr11-17428584-A-T.
Other names: c.3016T>A, p.Ser1006Thr (NM_001287174.3); c.3079T>A, p.Ser1027Thr (NM_001351295.2); c.3013T>A, p.Ser1005Thr (NM_001351296.2); c.3010T>A, p.Ser1004Thr (NM_001351297.2); short protein forms S1004T, S1005T, S1006T, S1027T.
Identifiers: ClinVar variation 2443164 (VCV002443164.2), dbSNP rs1054112153, ClinGen allele CA218423080.
Genomic context (GRCh38, chr11:17,407,037, plus strand): 5'-CCATGTGCTTGAGCAGCTGTGAGAAGACCAGCAACGACAGGAGCAGGATGCCGGCGGAGG[A>T]CAGGTACTTGGCGCAGGCTCGCCATGGGATCTCAGCACGCTGGTGCAGCATGGACGACAG-3'
Protein context (NP_000343.2, residues 995-1015): IPWRACAKYL[Ser1005Thr]SAGILLLSLL